The following is an entry in ClinVar:

ClinVar aggregate classification (germline): Likely benign. Review status: criteria provided, multiple submitters, no conflicts (2 of 4 stars). 4 submissions from 4 submitters: Likely benign (3). 1 of the submissions does not count toward it. Last evaluated 2025-12-07.

Conditions:
ERCC4-related disorder. Also called: ERCC4-related condition.
Xeroderma pigmentosum, group F (XPF). Also called: ERCC4-Related Xeroderma Pigmentosum; XERODERMA PIGMENTOSUM, COMPLEMENTATION GROUP F; XERODERMA PIGMENTOSUM, TYPE F; Xeroderma pigmentosum, type 6; XERODERMA PIGMENTOSUM VI; XP, GROUP F. Identifiers: MedGen C0268140, MONDO:0010215, OMIM 278760.
Cockayne syndrome. Identifiers: Orphanet 191, MedGen C0009207, MONDO:0016006.
Fanconi anemia complementation group Q. Identifiers: Orphanet 84, MedGen C3808988, MONDO:0014108, OMIM 615272.

Allele frequency attached by ClinVar (database versions not stated): gnomAD 0.00001; gnomAD exomes 0.00002; TOPMed 0.00002.
gnomAD v4.1: 27 of 1,614,036 alleles (0.0017%); highest among the groups gnomAD compares: Middle Eastern, 0.016%; no homozygotes.

Submissions (4):

Labcorp Genetics (formerly Invitae), Labcorp
Classification: Likely benign for Fanconi anemia complementation group Q; Xeroderma pigmentosum, group F; Cockayne syndrome. Last evaluated: 2025-12-07. Review status: criteria provided, single submitter. Criteria: Invitae Variant Classification Sherloc (09022015). Collection method: clinical testing. Allele origin: germline.

CeGaT Center for Human Genetics Tuebingen
Classification: Likely benign. Last evaluated: 2022-12-01. Review status: criteria provided, single submitter. Criteria: CeGaT Center For Human Genetics Tuebingen Variant Classification Criteria Version 2. Collection method: clinical testing. Allele origin: germline. Affected: yes. Observed: 2 variant alleles.
Comment: ERCC4: BP4, BP7

Breakthrough Genomics
Classification: Likely benign. Review status: criteria provided, single submitter. Criteria: ACMG Guidelines, 2015. Collection method: not provided. Allele origin: germline. Inheritance: Autosomal recessive inheritance. Affected: yes.

PreventionGenetics, part of Exact Sciences
Classification: Likely benign for ERCC4-related condition. Last evaluated: 2023-10-12. Review status: no assertion criteria provided. Collection method: clinical testing. Allele origin: germline. Not counted in ClinVar's aggregate classification.
Comment: This variant is classified as likely benign based on ACMG/AMP sequence variant interpretation guidelines (Richards et al. 2015 PMID: 25741868, with internal and published modifications).

NM_005236.3(ERCC4):c.1632C>T (p.Phe544=)

Gene: ERCC4 (ERCC excision repair 4, endonuclease catalytic subunit; plus strand). Cytogenetic location: 16p13.12.
Variant type: single nucleotide variant.
Coding change: c.1632C>T on transcript NM_005236.3 (MANE Select); coding-DNA position 1632, C replaced by T.
Protein change: p.Phe544=; no amino-acid change (phenylalanine 544 retained).
Molecular consequence: synonymous variant.
Genome position (GRCh38, 1-based): chr16:13,935,564, C>T. VCF-style: chr16-13935564-C-T. GRCh37 (hg19) VCF-style: chr16-14029421-C-T.
Other names: c.1632C>T (NM_005236.2).
Identifiers: ClinVar variation 1635402 (VCV001635402.34), dbSNP rs1002156756, ClinGen allele CA278471976.
Genomic context (GRCh38, chr16:13,935,564, plus strand): 5'-CTGCCCGGAAGAAATTAAGCATGAAGAATTTGATGTAAATTTGTCATCGGATGCTGCTTT[C>T]GGAATCCTGAAAGAACCCCTCACTATCATCCATCCGCTTCTGGGTTGCAGCGACCCCTAT-3'
Protein context (NP_005227.1, residues 534-554): FDVNLSSDAA[Phe544=]GILKEPLTII